The following is an entry in ClinVar:

ClinVar aggregate classification (germline): Pathogenic (1 of 4 stars; one submission).

Submission:

GeneDx
Classification: Pathogenic. Last evaluated: 2017-08-22. Review status: criteria provided, single submitter. Criteria: GeneDx Variant Classification (06012015). Collection method: clinical testing. Allele origin: germline. Affected: yes.
Comment: The c.5746delG pathogenic variant in the SCN1A gene causes a frameshift starting with codon Glutamic acid 1916, changes this amino acid to a Lysine residue and creates a premature Stop codon at position 16 of the new reading frame, denoted p.Glu1916LysfsX16. This mutation is predicted to cause loss of normal protein function through protein truncation, as the last 94 amino acids are replaced by 15 incorrect amino acids. Although this mutation has not been previously reported to our knowledge, other truncating mutations in this region of the protein have been reported in association with SCN1A-related disorders. Therefore, the presence of c.5746delG is consistent with a diagnosis of an SCN1A-related disorder.

NM_001165963.4(SCN1A):c.5746del (p.Glu1916fs)

Genes: SCN1A (sodium voltage-gated channel alpha subunit 1; minus strand), LOC102724058 (uncharacterized LOC102724058; plus strand). Cytogenetic location: 2q24.3.
Variant type: Deletion.
Coding change: c.5746del on transcript NM_001165963.4 (MANE Select); coding-DNA position 5746, one base deleted (G; older notation c.5746delG).
Protein change: p.Glu1916fs; shifts the reading frame from glutamic acid 1916.
Molecular consequence: frameshift variant. On other transcripts: non-coding transcript variant (1).
Genome position (GRCh38, 1-based): chr2:165,991,529, C deleted on the plus strand (G on the coding strand, the reverse complement: SCN1A is on the minus strand); the first of 2 consecutive C bases (chr2:165,991,529-165,991,530); deleting either gives the same sequence. VCF-style (leftmost placement, unchanged base first): chr2-165991528-TC-T. GRCh37 (hg19) VCF-style: chr2-166848038-TC-T.
Other names: c.5713del, p.Glu1905fs (NM_001353951.2, NM_001353952.2, NM_006920.6 and 2 more transcripts); c.5710del, p.Glu1904fs (NM_001353954.2, NM_001353955.2); c.5662del, p.Glu1888fs (NM_001353957.2, NM_001353958.2, NM_001165964.3); c.5659del, p.Glu1887fs (NM_001353960.2); c.3304del, p.Glu1102fs (NM_001353961.2); c.5746del, p.Glu1916fs (NM_001202435.3, NM_001353948.2); short protein forms E1904fs, E1887fs, E1888fs, E1905fs, E1916fs, E1102fs.
Identifiers: ClinVar variation 206925 (VCV000206925.2), dbSNP rs796053087, ClinGen allele CA317743.